The following is an entry in ClinVar:

ClinVar aggregate classification (germline): Conflicting classifications of pathogenicity. Review status: criteria provided, conflicting classifications (1 of 4 stars). 5 submissions from 4 submitters: Uncertain significance (1); Benign (1); Likely benign (3). Last evaluated 2026-09-28.

Conditions:
Cardiovascular phenotype. Identifiers: MedGen CN230736.
Hereditary cancer-predisposing syndrome. Also called: Tumor predisposition; Neoplastic Syndromes, Hereditary; Hereditary Cancer Syndrome; Hereditary neoplastic syndrome. Identifiers: Orphanet 140162, MedGen C0027672, MeSH D009386, MONDO:0015356.
Neurofibromatosis, type 1 (NF1). Also called: NEUROFIBROMATOSIS, TYPE I, SOMATIC; Peripheral type neurofibromatosis; VON RECKLINGHAUSEN DISEASE; Neurofibromatosis, type I. Identifiers: Orphanet 636, MedGen C0027831, MONDO:0018975, OMIM 162200. Disease mechanism: loss of function.

Submissions (5):

Myriad Genetics, Inc.
Classification: Benign for Neurofibromatosis, type 1. Last evaluated: 2026-09-28. Review status: criteria provided, single submitter. Criteria: Myriad Autosomal Dominant, Autosomal Recessive and X-Linked Classification Criteria (2023). Collection method: clinical testing. Allele origin: unknown.
Comment: This variant is considered benign. This variant is a silent/synonymous amino acid change and it is not expected to impact splicing.

Labcorp Genetics (formerly Invitae), Labcorp
Classification: Likely benign for Neurofibromatosis, type 1. Last evaluated: 2025-10-29. Review status: criteria provided, single submitter. Criteria: Invitae Variant Classification Sherloc (09022015). Collection method: clinical testing. Allele origin: germline.

GeneDx
Classification: Uncertain significance. Last evaluated: 2019-10-28. Review status: criteria provided, single submitter. Criteria: GeneDx Variant Classification Process June 2021. Collection method: clinical testing. Allele origin: germline. Affected: yes.
Comment: Not observed in large population cohorts (Lek et al., 2016); In-silico analysis, which includes splice predictors and evolutionary conservation, is inconclusive as to whether the variant alters gene splicing. In the absence of RNA/functional studies, the actual effect of this sequence change is unknown.; Has not been previously published as pathogenic or benign to our knowledge

Ambry Genetics
Classification: Likely benign for Hereditary cancer-predisposing syndrome. Last evaluated: 2016-07-15. Review status: criteria provided, single submitter. Criteria: Ambry Autosomal Dominant and X-Linked criteria (10/2015). Collection method: clinical testing. Allele origin: germline. Observed: 1 variant allele.
Comment: Synonymous alterations with insufficient evidence to classify as benign

Ambry Genetics
Classification: Likely benign for Cardiovascular phenotype; Hereditary cancer-predisposing syndrome. Last evaluated: 2016-07-15. Review status: criteria provided, single submitter. Criteria: Ambry Variant Classification Scheme 2023. Collection method: clinical testing. Allele origin: germline.

NM_001042492.3(NF1):c.1032A>T (p.Leu344=)

Gene: NF1 (neurofibromin 1; plus strand). Cytogenetic location: 17q11.2.
Variant type: single nucleotide variant.
Coding change: c.1032A>T on transcript NM_001042492.3 (MANE Select); coding-DNA position 1032, A replaced by T.
Protein change: p.Leu344=; no amino-acid change (leucine 344 retained).
Molecular consequence: synonymous variant.
Genome position (GRCh38, 1-based): chr17:31,200,565, A>T. VCF-style: chr17-31200565-A-T. GRCh37 (hg19) VCF-style: chr17-29527583-A-T.
Other names: c.1032A>T, p.Leu344= (NM_000267.4, NM_001128147.3).
Identifiers: ClinVar variation 480142 (VCV000480142.16), dbSNP rs199832006, ClinGen allele CA499218633.